The following is an entry in ClinVar:

NM_000135.4(FANCA):c.189+2T>A

Gene: FANCA (FA complementation group A; minus strand). Cytogenetic location: 16q24.3.
Variant type: single nucleotide variant.
Coding change: c.189+2T>A on transcript NM_000135.4 (MANE Select); the canonical splice donor site of the intron after coding-DNA position 189, T replaced by A.
Molecular consequence: splice donor variant.
Genome position (GRCh38, 1-based): chr16:89,815,875, A>T on the plus strand (T>A on the coding strand, the complement: FANCA is on the minus strand). VCF-style: chr16-89815875-A-T. GRCh37 (hg19) VCF-style: chr16-89882283-A-T.
Other names: c.189+2T>A (NM_001286167.3, NM_001351830.2, NM_001018112.3).
Identifiers: ClinVar variation 974285 (VCV000974285.9), dbSNP rs2041094594, ClinGen allele CA397483181.

ClinVar aggregate classification (germline): Likely pathogenic. Review status: criteria provided, single submitter (1 of 4 stars). 2 submissions from 2 submitters: Likely pathogenic (1). 1 of the submissions does not count toward it. Last evaluated 2021-06-28.

Conditions:
Fanconi anemia (FA). Also called: Fanconi's anemia. Identifiers: Orphanet 84, MedGen C0015625, MeSH D005199, MONDO:0019391.
Fanconi anemia complementation group A (FANCA). Also called: Fanconi anemia, group A; FANCA-Related Fanconi Anemia. Identifiers: Orphanet 84, MedGen C3469521, MONDO:0009215, OMIM 227650.

Submissions (2):

Labcorp Genetics (formerly Invitae), Labcorp
Classification: Likely pathogenic for Fanconi anemia. Last evaluated: 2021-06-28. Review status: criteria provided, single submitter. Criteria: Invitae Variant Classification Sherloc (09022015). Collection method: clinical testing. Allele origin: germline.
Comment: This sequence change affects a donor splice site in intron 2 of the FANCA gene. It is expected to disrupt RNA splicing. Variants that disrupt the donor or acceptor splice site typically lead to a loss of protein function (PMID: 16199547), and loss-of-function variants in FANCA are known to be pathogenic (PMID: 19367192). This variant is not present in population databases (ExAC no frequency). This variant has not been reported in the literature in individuals with FANCA-related conditions. ClinVar contains an entry for this variant (Variation ID: 974285). Algorithms developed to predict the effect of sequence changes on RNA splicing suggest that this variant may disrupt the consensus splice site, but this prediction has not been confirmed by published transcriptional studies. In summary, the currently available evidence indicates that the variant is pathogenic, but additional data are needed to prove that conclusively. Therefore, this variant has been classified as Likely Pathogenic.

Leiden Open Variation Database
Classification: Uncertain significance for Fanconi anemia complementation group A. Last evaluated: 2020-02-28. Review status: no assertion criteria provided. Collection method: curation. Allele origin: germline. Affected: yes. Not counted in ClinVar's aggregate classification.
Comment: Curator: Arleen D. Auerbach. Submitter to LOVD: Arleen D. Auerbach.

Literature cited by the submitters: PubMed 16199547 (cited by Labcorp Genetics (formerly Invitae), Labcorp); PubMed 19367192 (cited by Labcorp Genetics (formerly Invitae), Labcorp).